The following is an entry in ClinVar:

ClinVar aggregate classification (germline): Likely benign. Review status: criteria provided, single submitter (1 of 4 stars). 2 submissions from 2 submitters: Likely benign (1). 1 of the submissions does not count toward it. Last evaluated 2025-08-11.

Conditions:
FLI1-related disorder. Also called: FLI1-related condition.

Allele frequency attached by ClinVar (database versions not stated): ExAC 0.00007; gnomAD 0.00019.
gnomAD v4.1: 69 of 1,613,776 alleles (0.0043%); highest among the groups gnomAD compares: African/African-American, 0.067%; no homozygotes.

Submissions (2):

Labcorp Genetics (formerly Invitae), Labcorp
Classification: Likely benign. Last evaluated: 2025-08-11. Review status: criteria provided, single submitter. Criteria: Invitae Variant Classification Sherloc (09022015). Collection method: clinical testing. Allele origin: germline.

PreventionGenetics, part of Exact Sciences
Classification: Likely benign for FLI1-related condition. Last evaluated: 2020-06-22. Review status: no assertion criteria provided. Collection method: clinical testing. Allele origin: germline. Not counted in ClinVar's aggregate classification.
Comment: This variant is classified as likely benign based on ACMG/AMP sequence variant interpretation guidelines (Richards et al. 2015 PMID: 25741868, with internal and published modifications).

NM_002017.5(FLI1):c.321C>T (p.Asp107=)

Gene: FLI1 (Fli-1 proto-oncogene, ETS transcription factor; plus strand). Cytogenetic location: 11q24.3.
Variant type: single nucleotide variant.
Coding change: c.321C>T on transcript NM_002017.5 (MANE Select); coding-DNA position 321, C replaced by T.
Protein change: p.Asp107=; no amino-acid change (aspartic acid 107 retained).
Molecular consequence: synonymous variant. On other transcripts: intron variant (1).
Genome position (GRCh38, 1-based): chr11:128,768,208, C>T. VCF-style: chr11-128768208-C-T. GRCh37 (hg19) VCF-style: chr11-128638103-C-T.
Other names: c.222C>T, p.Asp74= (NM_001167681.3); c.123C>T, p.Asp41= (NM_001271010.2); c.10+9882C>T (NM_001271012.2); c.321C>T (NM_002017.4).
Identifiers: ClinVar variation 2855668 (VCV002855668.5), dbSNP rs772608802, ClinGen allele CA6357029.
Genomic context (GRCh38, chr11:128,768,208, plus strand): 5'-ATGCAGCAAGCTGGTGGGCGGAGGCGAGTCCAACCCCATGAACTACAACAGCTATATGGA[C>T]GAGAAGAATGGCCCCCCTCCTCCCAACATGACCACCAACGAGAGGAGAGTCATCGTCCCC-3'
Protein context (NP_002008.2, residues 97-117): SNPMNYNSYM[Asp107=]EKNGPPPPNM